The following is an entry in ClinVar:

NM_032119.4(ADGRV1):c.4128C>T (p.Asp1376=)

Gene: ADGRV1 (adhesion G protein-coupled receptor V1; plus strand). Cytogenetic location: 5q14.3.
Variant type: single nucleotide variant.
Coding change: c.4128C>T on transcript NM_032119.4 (MANE Select); coding-DNA position 4128, C replaced by T.
Protein change: p.Asp1376=; no amino-acid change (aspartic acid 1376 retained).
Molecular consequence: synonymous variant. On other transcripts: non-coding transcript variant (1).
Genome position (GRCh38, 1-based): chr5:90,653,702, C>T. VCF-style: chr5-90653702-C-T. GRCh37 (hg19) VCF-style: chr5-89949519-C-T.
Identifiers: ClinVar variation 679377 (VCV000679377.44), dbSNP rs373730163, ClinGen allele CA3339293.
Genomic context (GRCh38, chr5:90,653,702, plus strand): 5'-ATTCTCAGCTTGGGTAATGCCCAATGCCAATACGAATGGATTCATTATAGCGAAGGATGA[C>T]GGTAATGGAAGCATCTACTACGGGGTAAAAATACAAACAAACGAATCCCATGTGACACTT-3'
Protein context (NP_115495.3, residues 1366-1386): NTNGFIIAKD[Asp1376=]GNGSIYYGVK

ClinVar aggregate classification (germline): Conflicting classifications of pathogenicity. Review status: criteria provided, conflicting classifications (1 of 4 stars). 8 submissions from 8 submitters: Uncertain significance (1); Benign (1); Likely benign (4). 2 of the submissions do not count toward it. Last evaluated 2026-01-31.

Conditions:
Usher syndrome type 2C. Also called: Usher syndrome, type 2B; USHER SYNDROME, TYPE IIC. Identifiers: Orphanet 231178, Orphanet 886, MedGen C2931213, MONDO:0011558, OMIM 605472.

Allele frequency attached by ClinVar (database versions not stated): gnomAD 0.00056 and 0.00054; gnomAD exomes 0.00063 and 0.00041; ESP Exome Variant Server 0.00091; ExAC 0.00033; TOPMed 0.00053.
gnomAD v4.1: 984 of 1,612,962 alleles (0.061%); highest among the groups gnomAD compares: Non-Finnish European, 0.079%; no homozygotes.

Submissions (8):

Labcorp Genetics (formerly Invitae), Labcorp
Classification: Likely benign. Last evaluated: 2026-01-31. Review status: criteria provided, single submitter. Criteria: Invitae Variant Classification Sherloc (09022015). Collection method: clinical testing. Allele origin: germline.

Athena Diagnostics
Classification: Benign. Last evaluated: 2025-09-30. Review status: criteria provided, single submitter. Criteria: Athena Diagnostics Criteria. Collection method: clinical testing. Allele origin: unknown.
Comment: The frequency of this variant in the general population is higher than would generally be expected for pathogenic variants in this gene. Computational tools yielded predictions that this variant is unlikely to have an effect on normal RNA splicing. This nucleotide position exhibits low evolutionary conservation.

CeGaT Center for Human Genetics Tuebingen
Classification: Likely benign. Last evaluated: 2025-01-01. Review status: criteria provided, single submitter. Criteria: CeGaT Center For Human Genetics Tuebingen Variant Classification Criteria Version 2. Collection method: clinical testing. Allele origin: germline. Affected: yes. Observed: 4 variant alleles.
Comment: ADGRV1: BP4, BP7

Blueprint Genetics
Classification: Likely benign. Last evaluated: 2024-11-20. Review status: criteria provided, single submitter. Criteria: ACMG Guidelines, 2015. Collection method: clinical testing. Allele origin: germline.

GeneDx
Classification: Likely benign. Last evaluated: 2020-09-18. Review status: criteria provided, single submitter. Criteria: GeneDx Variant Classification Process June 2021. Collection method: clinical testing. Allele origin: germline. Affected: yes.

Illumina Laboratory Services, Illumina
Classification: Uncertain significance for Usher syndrome type 2C. Last evaluated: 2018-01-15. Review status: criteria provided, single submitter. Criteria: ICSL Variant Classification Criteria 13 December 2019. Collection method: clinical testing. Allele origin: germline.

Clinical Genetics DNA and cytogenetics Diagnostics Lab, Erasmus MC, Erasmus Medical Center
Classification: Likely benign. Review status: no assertion criteria provided. Collection method: clinical testing. Allele origin: germline. Affected: yes. Study: VKGL Data-share Consensus. Not counted in ClinVar's aggregate classification.

Clinical Genetics, Academic Medical Center
Classification: Likely benign. Review status: no assertion criteria provided. Collection method: clinical testing. Allele origin: germline. Affected: yes. Study: VKGL Data-share Consensus. Not counted in ClinVar's aggregate classification.